The following is an entry in ClinVar:

NM_014402.4(UQCRQ):c.-139T>C

Genes: GDF9 (growth differentiation factor 9; minus strand), UQCRQ (ubiquinol-cytochrome c reductase complex III subunit VII; plus strand), LOC126807509 (BRD4-independent group 4 enhancer GRCh37_chr5:132201613-132202812; plus strand). Cytogenetic location: 5q31.1.
Variant type: single nucleotide variant.
Coding change: c.-139T>C on transcript NM_014402.4; 139 bases upstream of the start codon, T replaced by C.
Molecular consequence: 5 prime UTR variant (on NM_001288826.3). On other transcripts: intron variant (2).
Genome position (GRCh38, 1-based): chr5:132,866,562, T>C. VCF-style: chr5-132866562-T-C. GRCh37 (hg19) VCF-style: chr5-132202254-T-C.
Other names: c.-276A>G (NM_001288826.3); c.-196A>G (NM_001288828.3); c.-32+37A>G (NM_001288824.4); c.-148+37A>G (NM_001288825.4).
Identifiers: ClinVar variation 676789 (VCV000676789.4), dbSNP rs114932352, ClinGen allele CA12122595.
Genomic context (GRCh38, chr5:132,866,562, plus strand): 5'-CCTCCCACCTACGGGTCACCCAGTCAGCCCACTTCTTTCTGGGACAAAGGCGTCATCCCT[T>C]AGAGACAGTAGGAAAATGGTATCTCCCGGAAGTTACCTCACGACCTCCAAGAGCGGCTTC-3'

ClinVar aggregate classification (germline): Likely benign. Review status: criteria provided, multiple submitters, no conflicts (2 of 4 stars). 2 submissions from 2 submitters: Likely benign (2). Last evaluated 2018-06-16.

Allele frequency attached by ClinVar (database versions not stated): gnomAD 0.00610 and 0.00546; 1000 Genomes Project 30x 0.00468; 1000 Genomes Project 0.00499; TOPMed 0.00611.

Submissions (2):

GeneDx
Classification: Likely benign. Last evaluated: 2018-06-16. Review status: criteria provided, single submitter. Criteria: GeneDx Variant Classification (06012015). Collection method: clinical testing. Allele origin: germline. Affected: yes.
Comment: This variant is considered likely benign or benign based on one or more of the following criteria: it is a conservative change, it occurs at a poorly conserved position in the protein, it is predicted to be benign by multiple in silico algorithms, and/or has population frequency not consistent with disease.

Breakthrough Genomics
Classification: Likely benign. Review status: criteria provided, single submitter. Criteria: ACMG Guidelines, 2015. Collection method: not provided. Allele origin: germline. Inheritance: Autosomal recessive inheritance. Affected: yes.